The following is an entry in ClinVar:

NM_004830.4(MED23):c.17A>G (p.Gln6Arg)

Gene: MED23 (mediator complex subunit 23; minus strand). Cytogenetic location: 6q23.2.
Variant type: single nucleotide variant.
Coding change: c.17A>G on transcript NM_004830.4 (MANE Select); coding-DNA position 17, A replaced by G.
Protein change: p.Gln6Arg; replaces glutamine 6 with arginine.
Molecular consequence: missense variant. On other transcripts: intron variant (1).
Genome position (GRCh38, 1-based): chr6:131,628,033, T>C on the plus strand (A>G on the coding strand, the complement: MED23 is on the minus strand). VCF-style: chr6-131628033-T-C. GRCh37 (hg19) VCF-style: chr6-131949173-T-C.
Other names: c.17A>G, p.Gln6Arg (NM_001270521.2, NM_001270522.2, NM_001376517.1 and 7 more transcripts); c.-34+230A>G (NM_001376518.1); short protein forms Q6R.
Identifiers: ClinVar variation 1678683 (VCV001678683.2), dbSNP rs571359984, ClinGen allele CA4000436.
Genomic context (GRCh38, chr6:131,628,033, plus strand): 5'-CCAAGCCGTAGTCCTGGATGGCCGGCAGCTGCACTCACCACCACCTCTTCGAAAATGCTC[T>C]GCAGTTGCGTCTCCATCTGTACTATCACCCCCGCCTTTCCAGGGTGCCCGGCAAGGCCCG-3'
Protein context (NP_004821.2, residues 1-16): METQL[Gln6Arg]SIFEEVVKTE

ClinVar aggregate classification (germline): Uncertain significance (1 of 4 stars; one submission).

Allele frequency attached by ClinVar (database versions not stated): ExAC 0.00001; gnomAD 0.00001; 1000 Genomes Project 30x 0.00016; 1000 Genomes Project 0.00020.
gnomAD v4.1: 1 of 1,614,062 alleles (0.000062%); highest among the groups gnomAD compares: Admixed American, 0.0017%; no homozygotes.

Submission:

GeneDx
Classification: Uncertain significance. Last evaluated: 2021-10-19. Review status: criteria provided, single submitter. Criteria: GeneDx Variant Classification Process June 2021. Collection method: clinical testing. Allele origin: germline. Affected: yes.
Comment: In silico analysis supports that this missense variant does not alter protein structure/function; Has not been previously published as pathogenic or benign to our knowledge